The following is an entry in ClinVar:

ClinVar aggregate classification (germline): Uncertain significance. Review status: criteria provided, multiple submitters, no conflicts (2 of 4 stars). 2 submissions from 2 submitters: Uncertain significance (2). Last evaluated 2024-01-29.

Conditions:
BNAR syndrome. Also called: Bifid Nose With or Without Anorectal and Renal Anomalies (BNAR) Syndrome. Identifiers: Orphanet 217266, MedGen C2750433, MONDO:0012165, OMIM 608980.
Oculotrichoanal syndrome (MOTA). Also called: MARLES SYNDROME; Manitoba Oculotrichoanal (MOTA) Syndrome. Identifiers: Orphanet 2717, MedGen C1855425, MONDO:0009560, OMIM 248450.
Trigonocephaly 2 (TRIGNO2). Identifiers: Orphanet 3366, MedGen C3280974, MONDO:0013774, OMIM 614485.

Allele frequency attached by ClinVar (database versions not stated): gnomAD 0.00004 and 0.00005; TOPMed 0.00003; gnomAD exomes 0.00007; 1000 Genomes Project 0.00020; ExAC 0.00006; 1000 Genomes Project 30x 0.00031.
gnomAD v4.1: 34 of 1,613,506 alleles (0.0021%); highest among the groups gnomAD compares: East Asian, 0.076%; no homozygotes.

Submissions (2):

Fulgent Genetics
Classification: Uncertain significance for Oculotrichoanal syndrome; BNAR syndrome; Trigonocephaly 2. Last evaluated: 2024-01-29. Review status: criteria provided, single submitter. Criteria: ACMG Guidelines, 2015. Collection method: clinical testing. Allele origin: germline.

Labcorp Genetics (formerly Invitae), Labcorp
Classification: Uncertain significance. Last evaluated: 2021-10-11. Review status: criteria provided, single submitter. Criteria: Invitae Variant Classification Sherloc (09022015). Collection method: clinical testing. Allele origin: germline.
Comment: This variant has not been reported in the literature in individuals affected with FREM1-related conditions. In summary, the available evidence is currently insufficient to determine the role of this variant in disease. Therefore, it has been classified as a Variant of Uncertain Significance. Algorithms developed to predict the effect of missense changes on protein structure and function (SIFT, PolyPhen-2, Align-GVGD) all suggest that this variant is likely to be tolerated. This variant is present in population databases (rs183882265, ExAC 0.08%). This sequence change replaces isoleucine with asparagine at codon 1981 of the FREM1 protein (p.Ile1981Asn). The isoleucine residue is weakly conserved and there is a large physicochemical difference between isoleucine and asparagine.

NM_001379081.2(FREM1):c.5942T>A (p.Ile1981Asn)

Gene: FREM1 (FRAS1 related extracellular matrix 1; minus strand). Cytogenetic location: 9p22.3.
Variant type: single nucleotide variant.
Coding change: c.5942T>A on transcript NM_001379081.2 (MANE Select); coding-DNA position 5942, T replaced by A.
Protein change: p.Ile1981Asn; replaces isoleucine 1981 with asparagine.
Molecular consequence: missense variant. On other transcripts: non-coding transcript variant (3).
Genome position (GRCh38, 1-based): chr9:14,747,331, A>T on the plus strand (T>A on the coding strand, the complement: FREM1 is on the minus strand). VCF-style: chr9-14747331-A-T. GRCh37 (hg19) VCF-style: chr9-14747329-A-T.
Other names: c.1550T>A, p.Ile517Asn (NM_001177704.3, NM_001370061.2); c.1400T>A, p.Ile467Asn (NM_001370058.2); c.5942T>A, p.Ile1981Asn (NM_144966.7); short protein forms I467N, I1981N, I517N.
Identifiers: ClinVar variation 1468440 (VCV001468440.8), dbSNP rs183882265, ClinGen allele CA4989609.
Genomic context (GRCh38, chr9:14,747,331, plus strand): 5'-GGGAAGTGTGAGTCAGTTGTGGATTCCACCTTATCTGCTTGAGGCAGTTCTGCCACTTTG[A>T]TTGTCTTTTGTGGCTGACTAATGATGGATACTTTGGCCTTCCTTTTGTGAGTTGGGAAAC-3'
Protein context (NP_001366010.1, residues 1971-1991): VSIISQPQKT[Ile1981Asn]KVAELPQADK